The following is an entry in ClinVar:

ClinVar aggregate classification (germline): Uncertain significance (1 of 4 stars; one submission).

Conditions:
Erythrocytosis, familial, 3 (ECYT3). Identifiers: Orphanet 247511, MedGen C1853286, MONDO:0012353, OMIM 609820.

Submission:

Labcorp Genetics (formerly Invitae), Labcorp
Classification: Uncertain significance for Erythrocytosis, familial, 3. Last evaluated: 2024-10-14. Review status: criteria provided, single submitter. Criteria: Invitae Variant Classification Sherloc (09022015). Collection method: clinical testing. Allele origin: germline.
Comment: This sequence change replaces glycine, which is neutral and non-polar, with valine, which is neutral and non-polar, at codon 110 of the EGLN1 protein (p.Gly110Val). This variant is not present in population databases (gnomAD no frequency). This variant has not been reported in the literature in individuals affected with EGLN1-related conditions. ClinVar contains an entry for this variant (Variation ID: 2174675). An algorithm developed to predict the effect of missense changes on protein structure and function (PolyPhen-2) suggests that this variant is likely to be tolerated. In summary, the available evidence is currently insufficient to determine the role of this variant in disease. Therefore, it has been classified as a Variant of Uncertain Significance.

NM_022051.3(EGLN1):c.329G>T (p.Gly110Val)

Gene: EGLN1 (egl-9 family hypoxia inducible factor 1; minus strand). Cytogenetic location: 1q42.2.
Variant type: single nucleotide variant.
Coding change: c.329G>T on transcript NM_022051.3 (MANE Select); coding-DNA position 329, G replaced by T.
Protein change: p.Gly110Val; replaces glycine 110 with valine.
Molecular consequence: missense variant.
Genome position (GRCh38, 1-based): chr1:231,421,560, C>A on the plus strand (G>T on the coding strand, the complement: EGLN1 is on the minus strand). VCF-style: chr1-231421560-C-A. GRCh37 (hg19) VCF-style: chr1-231557306-C-A.
Other names: c.329G>T, p.Gly110Val (NM_001377260.1, NM_001377261.1); short protein forms G110V.
Identifiers: ClinVar variation 2174675 (VCV002174675.4), dbSNP rs2527360693, ClinGen allele CA345237680.